The following is an entry in ClinVar:

NM_002485.5(NBN):c.1805C>G (p.Thr602Ser)

Gene: NBN (nibrin; minus strand). Cytogenetic location: 8q21.3.
Variant type: single nucleotide variant.
Coding change: c.1805C>G on transcript NM_002485.5 (MANE Select); coding-DNA position 1805, C replaced by G.
Protein change: p.Thr602Ser; replaces threonine 602 with serine.
Molecular consequence: missense variant.
Genome position (GRCh38, 1-based): chr8:89,953,284, G>C on the plus strand (C>G on the coding strand, the complement: NBN is on the minus strand). VCF-style: chr8-89953284-G-C. GRCh37 (hg19) VCF-style: chr8-90965512-G-C.
Other names: c.1559C>G, p.Thr520Ser (NM_001024688.3); short protein forms T602S, T520S.
Identifiers: ClinVar variation 629973 (VCV000629973.13), dbSNP rs1563524801, ClinGen allele CA371655050.

ClinVar aggregate classification (germline): Uncertain significance. Review status: criteria provided, multiple submitters, no conflicts (2 of 4 stars). 2 submissions from 2 submitters: Uncertain significance (2). Last evaluated 2021-11-07.

Conditions:
Microcephaly, normal intelligence and immunodeficiency (NBS). Also called: BERLIN BREAKAGE SYNDROME; Ataxia telangiectasia variant V1; IMMUNODEFICIENCY, MICROCEPHALY, AND CHROMOSOMAL INSTABILITY; SEEMANOVA SYNDROME II; Immunodeficiency, microcephaly with normal intelligence; Nijmegen breakage syndrome. Identifiers: Orphanet 647, MedGen C0398791, MONDO:0009623, OMIM 251260.

Submissions (2):

Genome-Nilou Lab
Classification: Uncertain significance for Microcephaly, normal intelligence and immunodeficiency. Last evaluated: 2021-11-07. Review status: criteria provided, single submitter. Criteria: ACMG Guidelines, 2015. Collection method: clinical testing. Allele origin: germline. Affected: no.

Labcorp Genetics (formerly Invitae), Labcorp
Classification: Uncertain significance for Microcephaly, normal intelligence and immunodeficiency. Last evaluated: 2020-05-26. Review status: criteria provided, single submitter. Criteria: Invitae Variant Classification Sherloc (09022015). Collection method: clinical testing. Allele origin: germline.
Comment: This sequence change replaces threonine with serine at codon 602 of the NBN protein (p.Thr602Ser). The threonine residue is weakly conserved and there is a small physicochemical difference between threonine and serine. This variant is not present in population databases (ExAC no frequency). This variant has not been reported in the literature in individuals with NBN-related conditions. ClinVar contains an entry for this variant (Variation ID: 629973). Algorithms developed to predict the effect of missense changes on protein structure and function output the following: SIFT: "Tolerated"; PolyPhen-2: "Benign"; Align-GVGD: "Class C0". The serine amino acid residue is found in multiple mammalian species, suggesting that this missense change does not adversely affect protein function. These predictions have not been confirmed by published functional studies and their clinical significance is uncertain. In summary, the available evidence is currently insufficient to determine the role of this variant in disease. Therefore, it has been classified as a Variant of Uncertain Significance.